The following is an entry in ClinVar:

NM_001130823.3(DNMT1):c.1044-28G>T

Gene: DNMT1 (DNA methyltransferase 1; minus strand). Cytogenetic location: 19p13.2.
Variant type: single nucleotide variant.
Coding change: c.1044-28G>T on transcript NM_001130823.3 (MANE Select); 28 bases into the intron before coding-DNA position 1044, G replaced by T.
Molecular consequence: intron variant.
Genome position (GRCh38, 1-based): chr19:10,160,091, C>A on the plus strand (G>T on the coding strand, the complement: DNMT1 is on the minus strand). VCF-style: chr19-10160091-C-A. GRCh37 (hg19) VCF-style: chr19-10270767-C-A.
Other names: c.681-28G>T (NM_001318731.2); c.996-28G>T (NM_001379.4, NM_001318730.2).
Identifiers: ClinVar variation 4978881 (VCV004978881.1).

ClinVar aggregate classification (germline): Likely benign (1 of 4 stars; one submission).

Conditions:
DNMT1-related disorder. Also called: DNMT1-related condition. Identifiers: MedGen CN381527.

gnomAD v4.1: 10 of 1,611,308 alleles (0.00062%); highest among the groups gnomAD compares: African/African-American, 0.011%; no homozygotes.

Submission:

PreventionGenetics, part of Exact Sciences
Classification: Likely benign for DNMT1-related condition. Last evaluated: 2026-02-18. Review status: criteria provided, single submitter. Criteria: ACMG Guidelines, 2015. Collection method: clinical testing. Allele origin: germline.
Comment: This variant is classified as likely benign based on ACMG/AMP sequence variant interpretation guidelines (Richards et al. 2015 PMID: 25741868, with internal and published modifications).